The following is an entry in ClinVar:

NM_000038.6(APC):c.3415A>C (p.Lys1139Gln)

Gene: APC (APC regulator of Wnt signaling pathway; plus strand). Cytogenetic location: 5q22.2.
Variant type: single nucleotide variant.
Coding change: c.3415A>C on transcript NM_000038.6 (MANE Select); coding-DNA position 3415, A replaced by C.
Protein change: p.Lys1139Gln; replaces lysine 1139 with glutamine.
Molecular consequence: missense variant.
Genome position (GRCh38, 1-based): chr5:112,839,009, A>C. VCF-style: chr5-112839009-A-C. GRCh37 (hg19) VCF-style: chr5-112174706-A-C.
Other names: p.K1139Q:AAG>CAG; c.3415A>C, p.Lys1139Gln (NM_001127510.3, NM_001354895.2); c.3361A>C, p.Lys1121Gln (NM_001127511.3); c.3469A>C, p.Lys1157Gln (NM_001354896.2); c.3445A>C, p.Lys1149Gln (NM_001354897.2); c.3340A>C, p.Lys1114Gln (NM_001354898.2); c.3331A>C, p.Lys1111Gln (NM_001354899.2); c.3292A>C, p.Lys1098Gln (NM_001354900.2); and 6 more; short protein forms K1121Q, K1139Q, K1080Q, K1157Q, K979Q, K1013Q, K1038Q, K1111Q.
Identifiers: ClinVar variation 181801 (VCV000181801.38), dbSNP rs201550951, ClinGen allele CA008372.

ClinVar aggregate classification (germline): Conflicting classifications of pathogenicity. Review status: criteria provided, conflicting classifications (1 of 4 stars). 11 submissions from 11 submitters: Uncertain significance (6); Likely benign (4). 1 of the submissions does not count toward it. Last evaluated 2026-04-24.

Conditions:
Classic or attenuated familial adenomatous polyposis. Identifiers: MedGen CN372698, MONDO:0021057.
Hereditary cancer-predisposing syndrome. Also called: Tumor predisposition; Hereditary neoplastic syndrome; Neoplastic Syndromes, Hereditary; Hereditary Cancer Syndrome. Identifiers: Orphanet 140162, MedGen C0027672, MeSH D009386, MONDO:0015356.
Familial adenomatous polyposis 1 (FAP1). Also called: FAMILIAL ADENOMATOUS POLYPOSIS 1, ATTENUATED; POLYPOSIS, ADENOMATOUS INTESTINAL. Identifiers: MedGen C2713442, MONDO:0021056, OMIM 175100. Disease mechanism: loss of function.
Carcinoma of colon (CRC). Also called: Colonic carcinoma; Colon carcinoma. Identifiers: MedGen C0699790, MONDO:0002032.

Allele frequency attached by ClinVar (database versions not stated): gnomAD exomes 0.00001 and 0.00004; gnomAD 0.00001; ExAC 0.00005; TOPMed 0.00002.
gnomAD v4.1: 25 of 1,614,048 alleles (0.0015%); highest among the groups gnomAD compares: Non-Finnish European, 0.000085%; no homozygotes.

Submissions (11):

Women's Health and Genetics/Laboratory Corporation of America, LabCorp
Classification: Likely benign. Last evaluated: 2026-04-24. Review status: criteria provided, single submitter. Criteria: LabCorp Variant Classification Summary - May 2015. Collection method: clinical testing. Allele origin: germline.
Comment: Variant summary: APC c.3415A>C (p.Lys1139Gln) results in a conservative amino acid change in the encoded protein sequence. Algorithms developed to predict the effect of missense changes on protein structure and function are either unavailable or do not agree on the potential impact of this missense change. The variant allele was found at a frequency of 1.5e-05 in 1614048 control chromosomes, predominantly at a frequency of 0.00071 within the Ashkenazi Jewish subpopulation in the gnomAD database v4 database. The observed variant frequency within Ashkenazi Jewish control individuals in the gnomAD database exceeds the estimated maximal expected allele frequency for disease-causing variants in APC. To our knowledge, no occurrence of c.3415A>C in individuals affected with APC-related conditions and no experimental evidence demonstrating its impact on protein function have been reported. ClinVar contains an entry for this variant (Variation ID: 181801). Based on the evidence outlined above, the variant was classified as likely benign.

Labcorp Genetics (formerly Invitae), Labcorp
Classification: Likely benign for Familial adenomatous polyposis 1. Last evaluated: 2025-11-23. Review status: criteria provided, single submitter. Criteria: Invitae Variant Classification Sherloc (09022015). Collection method: clinical testing. Allele origin: germline.

Color Diagnostics, LLC DBA Color Health
Classification: Uncertain significance for Hereditary cancer-predisposing syndrome. Last evaluated: 2025-11-19. Review status: criteria provided, single submitter. Criteria: ACMG Guidelines, 2015. Collection method: clinical testing. Allele origin: germline.
Comment: This missense variant replaces lysine with glutamine at codon 1139 of the APC protein. This is a missense variant not located in the first 15-amino acid repeat of the beta--catenin binding domain (codon 1021-1035) (PMID: 37800450). To our knowledge, functional studies have not been reported for this variant. This variant has not been reported in individuals affected with APC-related disorders in the literature. This variant has been identified in 25/1614048 chromosomes in the general population by the Genome Aggregation Database (gnomAD). Although there is a suspicion that this variant may not be associated with disease, additional studies are necessary to determine the role of this variant in disease conclusively. Therefore, this variant is classified as a Variant of Uncertain Significance.

Quest Diagnostics Nichols Institute San Juan Capistrano
Classification: Likely benign. Last evaluated: 2024-04-28. Review status: criteria provided, single submitter. Criteria: Quest Diagnostics criteria. Collection method: clinical testing. Allele origin: unknown.

GeneDx
Classification: Uncertain significance. Last evaluated: 2024-04-11. Review status: criteria provided, single submitter. Criteria: GeneDx Variant Classification Process June 2021. Collection method: clinical testing. Allele origin: germline. Affected: yes.
Comment: In silico analysis indicates that this missense variant does not alter protein structure/function; Has not been previously published as pathogenic or benign to our knowledge; This variant is associated with the following publications: (PMID: 18199528)

Institute for Biomarker Research, Medical Diagnostic Laboratories, L.L.C.
Classification: Uncertain significance for Hereditary cancer-predisposing syndrome. Last evaluated: 2024-04-02. Review status: criteria provided, single submitter. Criteria: ACMG Guidelines, 2015. Collection method: clinical testing. Allele origin: germline.

All of Us Research Program, National Institutes of Health
Classification: Uncertain significance for Classic or attenuated familial adenomatous polyposis. Last evaluated: 2023-12-01. Review status: criteria provided, single submitter. Criteria: ACMG Guidelines, 2015. Collection method: clinical testing. Allele origin: germline. Inheritance: Autosomal dominant inheritance. Observed: 8 variant alleles, 8 heterozygotes.
Comment: This missense variant replaces lysine with glutamine at codon 1139 of the APC protein. Computational prediction suggests that this variant may not impact protein structure and function (internally defined REVEL score threshold <= 0.5, PMID: 27666373). To our knowledge, functional studies have not been reported for this variant. This variant has not been reported in individuals affected with hereditary cancer in the literature. This variant has been identified in 10/250914 chromosomes in the general population by the Genome Aggregation Database (gnomAD). The available evidence is insufficient to determine the role of this variant in disease conclusively. Therefore, this variant is classified as a Variant of Uncertain Significance.

This study involves interpretation of variants in research participants for the purpose of population health screening. Participant phenotype was not available at the time of variant classification. Additional details can be found in publication PMID: 35346344, PMCID: PMC8962531

Ambry Genetics
Classification: Likely benign for Hereditary cancer-predisposing syndrome. Last evaluated: 2023-01-19. Review status: criteria provided, single submitter. Criteria: Ambry Variant Classification Scheme 2023. Collection method: clinical testing. Allele origin: germline.

Sema4
Classification: Uncertain significance for Hereditary cancer-predisposing syndrome. Last evaluated: 2021-12-07. Review status: criteria provided, single submitter. Criteria: Sema4 Curation Guidelines. Collection method: curation. Allele origin: germline.
Comment: To the best of our knowledge, the APC c.3415A>C (p.K1139Q) variant has not been reported in individuals with APC-related disease. This variant was observed in 9/10062 chromosomes in the Ashkenazi Jewish subpopulation in the large and broad cohorts of the Genome Aggregation Database (PMID: 32461654). This variant has been reported in ClinVar (Variation ID: 181801). Functional studies have not been performed, and in silico predictions of the variant's effect on protein function are inconclusive. Based on the current evidence available, this variant is interpreted as a variant of uncertain significance.

Genetic Services Laboratory, University of Chicago
Classification: Uncertain significance. Last evaluated: 2020-01-10. Review status: criteria provided, single submitter. Criteria: ACMG Guidelines, 2015. Collection method: clinical testing. Allele origin: germline. Affected: no.
Comment: DNA sequence analysis of the APC gene demonstrated a sequence change, c.3415A>C, in exon 16 that results in an amino acid change, p.Lys1139Gln. This sequence change does not appear to have been previously described in patients with APC-related disorders and has been described in the gnomAD database with a low population frequency of 0.089% in Ashkenazi Jewish subpopulation (dbSNP rs201550951). The p.Lys1139Gln change affects a highly conserved amino acid residue located in a domain of the APC protein that is known to be functional. In-silico pathogenicity prediction tools (SIFT, PolyPhen2, Align GVGD, REVEL) provide contradictory results for the p.Lys1139Gln substitution. Due to these contrasting evidences and the lack of functional studies, the clinical significance of the p.Lys1139Gln change remains unknown at this time.

Department of Pathology and Laboratory Medicine, Sinai Health System
Classification: Uncertain significance for Carcinoma of colon. Review status: no assertion criteria provided. Collection method: clinical testing. Allele origin: unknown. Affected: yes. Study: The Canadian Open Genetics Repository (COGR). Not counted in ClinVar's aggregate classification.
Comment: The p.Lys1139Gln variant has not been reported in the literature nor previously identified by our laboratory. This residue is conserved in mammals but not in lower organisms, and computational analyses (SIFT, AlignGVGD) do not suggest a high likelihood of impact to the protein. However, this information is not predictive enough to rule out pathogenicity. In summary, the clinical significance of this variant cannot be determined with certainty at this time.

Literature cited by the submitters: PubMed 37800450 (cited by Color Diagnostics, LLC DBA Color Health).